The following is an entry in ClinVar:

NM_001267550.2(TTN):c.15495A>C (p.Lys5165Asn)

Gene: TTN (titin; minus strand). Cytogenetic location: 2q31.2.
Variant type: single nucleotide variant.
Coding change: c.15495A>C on transcript NM_001267550.2 (MANE Select); coding-DNA position 15495, A replaced by C.
Protein change: p.Lys5165Asn; replaces lysine 5165 with asparagine.
Molecular consequence: missense variant. On other transcripts: intron variant (3).
Genome position (GRCh38, 1-based): chr2:178,734,329, T>G on the plus strand (A>C on the coding strand, the complement: TTN is on the minus strand). VCF-style: chr2-178734329-T-G. GRCh37 (hg19) VCF-style: chr2-179599056-T-G.
Other names: p.K4848N:AAA>AAC; c.14544A>C, p.Lys4848Asn (NM_001256850.1); c.11763A>C, p.Lys3921Asn (NM_133378.4); c.13282+3753A>C (NM_003319.4); c.13858+3753A>C (NM_133437.4); c.13657+3753A>C (NM_133432.3); short protein forms K4848N, K5165N, K3921N.
Identifiers: ClinVar variation 203245 (VCV000203245.6), dbSNP rs794729608, ClinGen allele CA311791.

ClinVar aggregate classification (germline): Uncertain significance. Review status: criteria provided, multiple submitters, no conflicts (2 of 4 stars). 3 submissions from 3 submitters: Uncertain significance (3). Last evaluated 2021-10-02.

Conditions:
Cardiovascular phenotype. Identifiers: MedGen CN230736.

Allele frequency attached by ClinVar (database versions not stated): gnomAD exomes below 0.00001 and 0.00001; TOPMed below 0.00001.
gnomAD v4.1: 6 of 1,588,540 alleles (0.00038%); highest among the groups gnomAD compares: East Asian, 0.0045%; no homozygotes.

Submissions (3):

Women's Health and Genetics/Laboratory Corporation of America, LabCorp
Classification: Uncertain significance. Last evaluated: 2021-10-02. Review status: criteria provided, single submitter. Criteria: LabCorp Variant Classification Summary - May 2015. Collection method: clinical testing. Allele origin: germline.
Comment: Variant summary: TTN c.11763A>C (p.Lys3921Asn) results in a non-conservative amino acid change located in the I-Band of the encoded protein sequence. Two of four in-silico tools predict a benign effect of the variant on protein function. The variant is also located within the putative exonic splice region as the second last nucleotide of exon 49 close to the canonical splice donor site. 4/4 computational tools predict no significant impact on normal splicing. However, these predictions have yet to be confirmed by functional studies. The variant allele was found at a frequency of 8.5e-06 in 234768 control chromosomes. The available data on variant occurrences in the general population are insufficient to allow any conclusion about variant significance. To our knowledge, no occurrence of c.11763A>C in individuals affected with Cardiomyopathy and no experimental evidence demonstrating its impact on protein function have been reported. At-least one co-occurrence with another pathogenic variant(s) has been observed in a specimen undergoing evaluation for familial cardiomyopathy at our laboratory (LMNA c.646C>T, p.Arg216Cys), providing supporting evidence for a benign role. No clinical diagnostic laboratories have submitted clinical-significance assessments for this variant to ClinVar after 2014. Based on the evidence outlined above, the variant was classified as uncertain significance.

GeneDx
Classification: Uncertain significance. Last evaluated: 2014-10-09. Review status: criteria provided, single submitter. Criteria: GeneDx Variant Classification (06012015). Collection method: clinical testing. Allele origin: germline. Affected: yes.
Comment: Missense variants in the TTN gene are considered 'unclassified' if they are not previously reported in the literature and do not have >1% frequency in the population to be considered a polymorphism. Research indicates that truncating mutations in the TTN gene are expected to account for approximately 25% of familial and 18% of sporadic idiopathic DCM; however, truncating variants in the TTN gene have been reported in approximately 3% of reported control alleles. There has been little investigation into non-truncating variants. (Herman D et al. Truncations of titin causing dilated cardiomyopathy. N Eng J Med 366:619-628, 2012) The variant is found in DCM-CRDM panel(s).

Ambry Genetics
Classification: Uncertain significance for Cardiovascular phenotype. Last evaluated: 2013-09-12. Review status: criteria provided, single submitter. Criteria: Ambry Autosomal Dominant and X-Linked criteria (10/2015). Collection method: clinical testing. Allele origin: germline. Observed: 1 variant allele.
Comment: The p.K3921N variant (also known as c.11763A>C) is the 2nd to last nucleotide located in coding exon 48 of the TTNgene. This alteration results from an A to C substitution at nucleotide position 11763. The lysine at codon 3921 is replaced by asparagine, an amino acid with a few similar properties. Ã¢â‚¬â€¹This variant was not reported in population-based cohorts in the following databases: Database of Single Nucleotide Polymorphisms (dbSNP), the 1000 Genomes Project and the NHLBI Exome Sequencing Project (ESP). In the ESP, this variant was not observed in 5982 samples (11964 alleles) with coverage at this position. Based on protein sequence alignment, this amino acid position is highly conserved in available vertebrate species.In addition, this alteration is predicted to be probably damaging by PolyPhen in silico analysis.Since supporting evidence is limited at this time, the clinical significance of this variant remains unclear.